The following is an entry in ClinVar:

ClinVar aggregate classification (germline): Benign/Likely benign. Review status: criteria provided, multiple submitters, no conflicts (2 of 4 stars). 15 submissions from 12 submitters: Benign (8); Likely benign (5). 2 of the submissions do not count toward it. Last evaluated 2026-05-01.

Conditions:
Autosomal recessive limb-girdle muscular dystrophy type 2J (LGMDR10). Also called: Limb-girdle muscular dystrophy, type 2J; MUSCULAR DYSTROPHY, LIMB-GIRDLE, AUTOSOMAL RECESSIVE 10. Identifiers: Orphanet 140922, MedGen C1837342, MONDO:0012127, OMIM 608807.
Dilated cardiomyopathy 1G (CMD1G). Identifiers: Orphanet 154, MedGen C1858763, MONDO:0011400, OMIM 604145.
Cardiovascular phenotype. Identifiers: MedGen CN230736.
Cardiomyopathy (CMYO). Also called: Cardiomyopathies. Identifiers: Orphanet 167848, MedGen C0878544, MONDO:0004994, HP:0001638. Inheritance: Various modes of inheritance.
Early-onset myopathy with fatal cardiomyopathy (CMYO5). Also called: Salih Myopathy; CONGENITAL MYOPATHY 5 WITH CARDIOMYOPATHY. Identifiers: Orphanet 289377, MedGen C2673677, MONDO:0012714, OMIM 611705. Disease mechanism: loss of function.
Myopathy, myofibrillar, 9, with early respiratory failure (MFM9). Also called: EDSTROM MYOPATHY; MYOPATHY, PROXIMAL, WITH EARLY RESPIRATORY MUSCLE INVOLVEMENT; Myopathy, distal, with early respiratory failure, autosomal dominant; Hereditary myopathy with early respiratory failure. Identifiers: Orphanet 178464, Orphanet 34521, MedGen C1863599, MONDO:0011362, OMIM 603689.
Tibial muscular dystrophy (TMD). Also called: Tibial muscular dystrophy, tardive; UDD MYOPATHY; Udd Distal Myopathy – Tibial Muscular Dystrophy. Identifiers: Orphanet 609, MedGen C1838244, MONDO:0010870, OMIM 600334.

Submissions (15):

CeGaT Center for Human Genetics Tuebingen
Classification: Likely benign. Last evaluated: 2026-05-01. Review status: criteria provided, single submitter. Criteria: CeGaT Center For Human Genetics Tuebingen Variant Classification Criteria Version 2. Collection method: clinical testing. Allele origin: germline. Affected: yes. Observed: 8 variant alleles.
Comment: TTN: BS1

Labcorp Genetics (formerly Invitae), Labcorp
Classification: Benign for Dilated cardiomyopathy 1G; Autosomal recessive limb-girdle muscular dystrophy type 2J. Last evaluated: 2026-02-04. Review status: criteria provided, single submitter. Criteria: Invitae Variant Classification Sherloc (09022015). Collection method: clinical testing. Allele origin: germline.

Molecular Diagnostic Laboratory for Inherited Cardiovascular Disease, Montreal Heart Institute
Classification: Likely benign. Last evaluated: 2025-04-09. Review status: criteria provided, single submitter. Criteria: ACMG Guidelines, 2015. Collection method: clinical testing. Allele origin: germline. Affected: no.

Athena Diagnostics
Classification: Benign. Last evaluated: 2024-04-25. Review status: criteria provided, single submitter. Criteria: Athena Diagnostics Criteria. Collection method: clinical testing. Allele origin: unknown.

CHEO Genetics Diagnostic Laboratory, Children's Hospital of Eastern Ontario
Classification: Likely benign for Cardiomyopathy. Last evaluated: 2023-01-12. Review status: criteria provided, single submitter. Criteria: ACMG Guidelines, 2015. Collection method: clinical testing. Allele origin: germline.

Genome-Nilou Lab
Classification: Benign for Autosomal recessive limb-girdle muscular dystrophy type 2J. Last evaluated: 2021-09-10. Review status: criteria provided, single submitter. Criteria: ACMG Guidelines, 2015. Collection method: clinical testing. Allele origin: germline. Affected: no.

Genome-Nilou Lab
Classification: Benign for Myopathy, myofibrillar, 9, with early respiratory failure. Last evaluated: 2021-09-10. Review status: criteria provided, single submitter. Criteria: ACMG Guidelines, 2015. Collection method: clinical testing. Allele origin: germline. Affected: no.

Genome-Nilou Lab
Classification: Benign for Early-onset myopathy with fatal cardiomyopathy. Last evaluated: 2021-09-10. Review status: criteria provided, single submitter. Criteria: ACMG Guidelines, 2015. Collection method: clinical testing. Allele origin: germline. Affected: no.

Genome-Nilou Lab
Classification: Benign for Tibial muscular dystrophy. Last evaluated: 2021-09-10. Review status: criteria provided, single submitter. Criteria: ACMG Guidelines, 2015. Collection method: clinical testing. Allele origin: germline. Affected: no.

Women's Health and Genetics/Laboratory Corporation of America, LabCorp
Classification: Benign. Last evaluated: 2019-08-26. Review status: criteria provided, single submitter. Criteria: LabCorp Variant Classification Summary - May 2015. Collection method: clinical testing. Allele origin: germline.
Comment: Variant summary: TTN c.98083_98084delinsTT (p.Ala32695Phe) results in a non-conservative amino acid change in the encoded protein sequence. Two of four in-silico tools predict a damaging effect of the variant on protein function. The variant allele was found at a frequency of 0.011 in 280436 control chromosomes in the gnomAD database, including 25 homozygotes. The observed variant frequency is approximately 18 fold of the estimated maximal expected allele frequency for a pathogenic variant in TTN causing Cardiomyopathy phenotype (0.00063), strongly suggesting that the variant is benign. To our knowledge, no occurrence of c.98083_98084delinsTT in individuals affected with Cardiomyopathy and no experimental evidence demonstrating its impact on protein function have been reported. Three clinical diagnostic laboratories have submitted clinical-significance assessments for this variant to ClinVar after 2014 without evidence for independent evaluation, and all of them classified the variant as benign. Based on the evidence outlined above, the variant was classified as benign.

Ambry Genetics
Classification: Likely benign for Cardiovascular phenotype. Last evaluated: 2012-11-28. Review status: criteria provided, single submitter. Criteria: Ambry Autosomal Dominant and X-Linked criteria (10/2015). Collection method: clinical testing. Allele origin: germline. Observed: 1 variant allele.

GeneDx
Classification: Likely benign. Last evaluated: 2012-09-26. Review status: criteria provided, single submitter. Criteria: GeneDx Variant Classification (06012015). Collection method: clinical testing. Allele origin: germline. Affected: yes.
Comment: The variant is found in DCM panel(s).

PreventionGenetics, part of Exact Sciences
Classification: Benign. Review status: criteria provided, single submitter. Criteria: ACMG Guidelines, 2015. Collection method: clinical testing. Allele origin: germline.

Clinical Genetics DNA and cytogenetics Diagnostics Lab, Erasmus MC, Erasmus Medical Center
Classification: Benign. Review status: no assertion criteria provided. Collection method: clinical testing. Allele origin: germline. Affected: yes. Study: VKGL Data-share Consensus. Not counted in ClinVar's aggregate classification.

Joint Genome Diagnostic Labs from Nijmegen and Maastricht, Radboudumc and MUMC+
Classification: Benign. Review status: no assertion criteria provided. Collection method: clinical testing. Allele origin: germline. Affected: yes. Study: VKGL Data-share Consensus. Not counted in ClinVar's aggregate classification.

NM_001267550.2(TTN):c.105787_105788delinsTT (p.Ala35263Phe)

Genes: TTN (titin; minus strand), TTN-AS1 (TTN antisense RNA 1; plus strand), LOC129935183 (ATAC-STARR-seq lymphoblastoid active region 16808; plus strand). Cytogenetic location: 2q31.2.
Variant type: Indel.
Coding change: c.105787_105788delinsTT on transcript NM_001267550.2 (MANE Select); coding-DNA positions 105787 to 105788, GC replaced by TT.
Protein change: p.Ala35263Phe; replaces alanine 35263 with phenylalanine.
Molecular consequence: missense variant.
Genome position (GRCh38, 1-based): chr2:178,530,827-178,530,828, GC replaced by AA on the plus strand (GC replaced by TT on the coding strand, the reverse complement: TTN is on the minus strand). VCF-style: chr2-178530827-GC-AA. GRCh37 (hg19) VCF-style: chr2-179395554-GC-AA.
Other names: p.A32695F:GCC>TTC; c.105787_105788delinsTT (LRG_391t1); c.105787_105788delGCinsTT (NM_001267550.2); c.100864_100865delinsTT, p.Ala33622Phe (NM_001256850.1); c.78592_78593delinsTT, p.Ala26198Phe (NM_003319.4); c.78967_78968delinsTT, p.Ala26323Phe (NM_133432.3); c.79168_79169delinsTT, p.Ala26390Phe (NM_133437.4); short protein forms A26198F, A26323F, A33622F, A26390F, A35263F.
Identifiers: ClinVar variation 202340 (VCV000202340.31), dbSNP rs794729250, ClinGen allele CA309138.